The following is an entry in ClinVar:

NM_144628.4(TBC1D20):c.236A>G (p.Asn79Ser)

Gene: TBC1D20 (TBC1 domain family member 20; minus strand). Cytogenetic location: 20p13.
Variant type: single nucleotide variant.
Coding change: c.236A>G on transcript NM_144628.4 (MANE Select); coding-DNA position 236, A replaced by G.
Protein change: p.Asn79Ser; replaces asparagine 79 with serine.
Molecular consequence: missense variant. On other transcripts: non-coding transcript variant (1).
Genome position (GRCh38, 1-based): chr20:447,909, T>C on the plus strand (A>G on the coding strand, the complement: TBC1D20 is on the minus strand). VCF-style: chr20-447909-T-C. GRCh37 (hg19) VCF-style: chr20-428553-T-C.
Other names: p.Asn79Ser; short protein forms N79S.
Identifiers: ClinVar variation 381288 (VCV000381288.13), dbSNP rs36088178, ClinGen allele CA9723695.

ClinVar aggregate classification (germline): Benign. Review status: criteria provided, multiple submitters, no conflicts (2 of 4 stars). 6 submissions from 6 submitters: Benign (4). 2 of the submissions do not count toward it. Last evaluated 2026-02-02.

Allele frequency attached by ClinVar (database versions not stated): gnomAD exomes 0.03434 and 0.05000; ESP Exome Variant Server 0.04160; gnomAD 0.04518 and 0.04693; TOPMed 0.04914; ExAC 0.05088; 1000 Genomes Project 30x 0.06996; 1000 Genomes Project 0.07188.
gnomAD v4.1: 57,721 of 1,613,080 alleles (3.6%); highest among the groups gnomAD compares: South Asian, 7.5%; 1,393 homozygotes.

Submissions (6):

Labcorp Genetics (formerly Invitae), Labcorp
Classification: Benign. Last evaluated: 2026-02-02. Review status: criteria provided, single submitter. Criteria: Invitae Variant Classification Sherloc (09022015). Collection method: clinical testing. Allele origin: germline.

Mayo Clinic Laboratories, Mayo Clinic
Classification: Benign. Last evaluated: 2022-03-24. Review status: criteria provided, single submitter. Criteria: ACMG Guidelines, 2015. Collection method: clinical testing. Allele origin: germline. Observed: 18 variant alleles.

GeneDx
Classification: Benign. Last evaluated: 2016-01-20. Review status: criteria provided, single submitter. Criteria: GeneDx Variant Classification (06012015). Collection method: clinical testing. Allele origin: germline. Affected: yes.
Comment: This variant is considered likely benign or benign based on one or more of the following criteria: it is a conservative change, it occurs at a poorly conserved position in the protein, it is predicted to be benign by multiple in silico algorithms, and/or has population frequency not consistent with disease.

Breakthrough Genomics
Classification: Benign. Review status: criteria provided, single submitter. Criteria: ACMG Guidelines, 2015. Collection method: not provided. Allele origin: germline. Inheritance: Autosomal recessive inheritance. Affected: yes.

Clinical Genetics DNA and cytogenetics Diagnostics Lab, Erasmus MC, Erasmus Medical Center
Classification: Benign. Review status: no assertion criteria provided. Collection method: clinical testing. Allele origin: germline. Affected: yes. Study: VKGL Data-share Consensus. Not counted in ClinVar's aggregate classification.

Laboratory of Diagnostic Genome Analysis, Leiden University Medical Center (LUMC)
Classification: Benign. Review status: no assertion criteria provided. Collection method: clinical testing. Allele origin: germline. Affected: yes. Study: VKGL Data-share Consensus. Not counted in ClinVar's aggregate classification.